The following is an entry in ClinVar:

NC_000015.9:g.(?_44918519)_(44921596_?)del

Gene: SPG11 (SPG11 vesicle trafficking associated, spatacsin; minus strand). Cytogenetic location: 15q21.1.
Variant type: Deletion.
Identifiers: ClinVar variation 1074117 (VCV001074117.7).

ClinVar aggregate classification (germline): Pathogenic (1 of 4 stars; one submission).

Conditions:
Hereditary spastic paraplegia 11. Also called: SPASTIC PARAPLEGIA, AUTOSOMAL RECESSIVE, COMPLICATED, WITH THIN CORPUS CALLOSUM; SPASTIC PARAPLEGIA, AUTOSOMAL RECESSIVE, WITH MENTAL IMPAIRMENT AND THIN CORPUS CALLOSUM; Nakamura Osame syndrome; Autosomal recessive hereditary spastic paraplegia, mental impairment, and thin corpus callosum; Spastic paraplegia, mental retardation and thin corpus callosum; Spastic Paraplegia 11. Identifiers: Orphanet 2822, MedGen C1858479, MONDO:0011445, OMIM 604360.

Submission:

Labcorp Genetics (formerly Invitae), Labcorp
Classification: Pathogenic for Hereditary spastic paraplegia 11. Last evaluated: 2020-01-29. Review status: criteria provided, single submitter. Criteria: Invitae Variant Classification Sherloc (09022015). Collection method: clinical testing. Allele origin: germline.
Comment: For these reasons, this variant has been classified as Pathogenic. Loss-of-function variants in SPG11 are known to be pathogenic (PMID: 19105190, 20110243, 22154821). This variant has been observed in individual(s) with hereditary spastic paraplegia (PMID: 30778698). This variant is an out-of-frame deletion of the genomic region encompassing exons 9-11 of the SPG11 gene. This is expected to create a premature translational stop signal and result in an absent or disrupted protein product.

Literature cited by the submitters: PubMed 19105190; PubMed 20110243; PubMed 22154821; PubMed 30778698.